The following is an entry in ClinVar:

NM_002878.4(RAD51D):c.43G>A (p.Glu15Lys)

Genes: RAD51D (RAD51 paralog D; minus strand), RAD51L3-RFFL (RAD51L3-RFFL readthrough; minus strand). Cytogenetic location: 17q12.
Variant type: single nucleotide variant.
Coding change: c.43G>A on transcript NM_002878.4 (MANE Select); coding-DNA position 43, G replaced by A.
Protein change: p.Glu15Lys; replaces glutamic acid 15 with lysine.
Molecular consequence: missense variant. On other transcripts: non-coding transcript variant (2).
Genome position (GRCh38, 1-based): chr17:35,119,571, C>T on the plus strand (G>A on the coding strand, the complement: RAD51D is on the minus strand). VCF-style: chr17-35119571-C-T. GRCh37 (hg19) VCF-style: chr17-33446590-C-T.
Other names: c.43G>A, p.Glu15Lys (NM_001142571.2, NM_133629.3); short protein forms E15K.
Identifiers: ClinVar variation 824866 (VCV000824866.4), dbSNP rs775510420, ClinGen allele CA8499702.
Genomic context (GRCh38, chr17:35,119,571, plus strand): 5'-GGCACGCGCACACCCGGTCACCTGTCTTGATCCTGTGGCTCCTGAGAAGCTGGATCATCT[C>T]CTCGGTAAGGCCAGGGCACAGTCCGACCCTGAGCACGCCCATGTTCCCCGCAGGCCGGAA-3'
Protein context (NP_002869.3, residues 5-25): RVGLCPGLTE[Glu15Lys]MIQLLRSHRI

ClinVar aggregate classification (germline): Uncertain significance (1 of 4 stars; one submission).

Conditions:
Hereditary cancer-predisposing syndrome. Also called: Neoplastic Syndromes, Hereditary; Tumor predisposition; Hereditary neoplastic syndrome; Hereditary Cancer Syndrome. Identifiers: Orphanet 140162, MedGen C0027672, MeSH D009386, MONDO:0015356.

Allele frequency attached by ClinVar (database versions not stated): gnomAD exomes below 0.00001; ExAC 0.00001.

Submission:

Ambry Genetics
Classification: Uncertain significance for Hereditary cancer-predisposing syndrome. Last evaluated: 2018-09-26. Review status: criteria provided, single submitter. Criteria: Ambry Variant Classification Scheme 2023. Collection method: clinical testing. Allele origin: germline.
Comment: The p.E15K variant (also known as c.43G>A), located in coding exon 1 of the RAD51D gene, results from a G to A substitution at nucleotide position 43. The glutamic acid at codon 15 is replaced by lysine, an amino acid with similar properties. This amino acid position is not well conserved in available vertebrate species. In addition, this alteration is predicted to be tolerated by in silico analysis. Since supporting evidence is limited at this time, the clinical significance of this alteration remains unclear.